The following is an entry in ClinVar:

ClinVar aggregate classification (germline): Likely pathogenic. Review status: criteria provided, single submitter (1 of 4 stars). 2 submissions from 2 submitters: Likely pathogenic (1). 1 of the submissions does not count toward it. Last evaluated 2024-08-07.

Conditions:
HEMOGLOBIN LUFKIN.

Submissions (2):

Quest Diagnostics Nichols Institute San Juan Capistrano
Classification: Likely pathogenic. Last evaluated: 2024-08-07. Review status: criteria provided, single submitter. Criteria: Quest Diagnostics criteria. Collection method: clinical testing. Allele origin: unknown.
Comment: The HBB c.89G>A (p.Gly30Asp) variant (also known as Hb Lufkin) has been reported in the published literature in individuals affected with mild hemolytic anemia (PMID: 24022 (1977)) and a mild form of sickle cell disease in combination with HbS (PMID: 8537234 (1995)). It is reported to be unstable, with increased oxygen affinity at acidic pH (see HbVar, and PMID: 24022 (1977), 3384703 (1988)). This variant has not been reported in large, multi-ethnic general populations (Genome Aggregation Database). Analysis of this variant using bioinformatics tools for the prediction of the effect of amino acid changes on protein structure and function yielded predictions that this variant is damaging. Based on the available information, this variant is classified as likely pathogenic.

OMIM
Classification: other for HEMOGLOBIN LUFKIN. Last evaluated: 2017-12-12. Review status: no assertion criteria provided. Collection method: literature only. Allele origin: germline. Not counted in ClinVar's aggregate classification.

Literature cited by the submitters: PubMed 8537234 (cited by Quest Diagnostics Nichols Institute San Juan Capistrano and OMIM); PubMed 3384703 (cited by Quest Diagnostics Nichols Institute San Juan Capistrano and OMIM); PubMed 19429541 (cited by Quest Diagnostics Nichols Institute San Juan Capistrano); PubMed 24022 (cited by Quest Diagnostics Nichols Institute San Juan Capistrano and OMIM).

NM_000518.5(HBB):c.89G>A (p.Gly30Asp)

Genes: HBB (hemoglobin subunit beta; minus strand), LOC106099062 (HBB recombination region; plus strand), LOC107133510 (origin of replication at HBB; plus strand). Cytogenetic location: 11p15.4.
Variant type: single nucleotide variant.
Coding change: c.89G>A on transcript NM_000518.5 (MANE Select); coding-DNA position 89, G replaced by A.
Protein change: p.Gly30Asp; replaces glycine 30 with aspartic acid.
Molecular consequence: missense variant.
Genome position (GRCh38, 1-based): chr11:5,226,933, C>T on the plus strand (G>A on the coding strand, the complement: HBB is on the minus strand). VCF-style: chr11-5226933-C-T. GRCh37 (hg19) VCF-style: chr11-5248163-C-T.
Other names: G29D; Hb Lufkin; short protein forms G30D.
Identifiers: ClinVar variation 15252 (VCV000015252.3), dbSNP rs35685286, ClinGen allele CA125003.